The following is an entry in ClinVar:

NM_001130009.3(GEN1):c.656A>G (p.Lys219Arg)

Gene: GEN1 (GEN1 structure-specific endonuclease; plus strand). Cytogenetic location: 2p24.2.
Variant type: single nucleotide variant.
Coding change: c.656A>G on transcript NM_001130009.3 (MANE Select); coding-DNA position 656, A replaced by G.
Protein change: p.Lys219Arg; replaces lysine 219 with arginine.
Molecular consequence: missense variant.
Genome position (GRCh38, 1-based): chr2:17,768,757, A>G. VCF-style: chr2-17768757-A-G. GRCh37 (hg19) VCF-style: chr2-17950024-A-G.
Other names: c.656A>G, p.Lys219Arg (NM_182625.5); short protein forms K219R.
Identifiers: ClinVar variation 1384317 (VCV001384317.8), dbSNP rs755646455, ClinGen allele CA1540503.

ClinVar aggregate classification (germline): Uncertain significance (1 of 4 stars; one submission).

Allele frequency attached by ClinVar (database versions not stated): gnomAD exomes below 0.00001 and 0.00001; ExAC 0.00001.
gnomAD v4.1: 1 of 1,611,460 alleles (0.000062%); highest among the groups gnomAD compares: East Asian, 0.0022%; no homozygotes.

Submission:

Labcorp Genetics (formerly Invitae), Labcorp
Classification: Uncertain significance. Last evaluated: 2021-04-13. Review status: criteria provided, single submitter. Criteria: Invitae Variant Classification Sherloc (09022015). Collection method: clinical testing. Allele origin: germline.
Comment: This sequence change replaces lysine with arginine at codon 219 of the GEN1 protein (p.Lys219Arg). The lysine residue is highly conserved and there is a small physicochemical difference between lysine and arginine. This variant is present in population databases (rs755646455, ExAC 0.01%). This variant has not been reported in the literature in individuals with GEN1-related conditions. Algorithms developed to predict the effect of missense changes on protein structure and function (SIFT, PolyPhen-2, Align-GVGD) all suggest that this variant is likely to be tolerated, but these predictions have not been confirmed by published functional studies and their clinical significance is uncertain. In summary, the available evidence is currently insufficient to determine the role of this variant in disease. Therefore, it has been classified as a Variant of Uncertain Significance.